The following is an entry in ClinVar:

NM_000478.6(ALPL):c.61+3A>G

Gene: ALPL (alkaline phosphatase, biomineralization associated; plus strand). Cytogenetic location: 1p36.12.
Variant type: single nucleotide variant.
Coding change: c.61+3A>G on transcript NM_000478.6 (MANE Select); 3 bases into the intron after coding-DNA position 61, A replaced by G.
Molecular consequence: intron variant.
Genome position (GRCh38, 1-based): chr1:21,554,145, A>G. VCF-style: chr1-21554145-A-G. GRCh37 (hg19) VCF-style: chr1-21880638-A-G.
Other names: c.61+3A>G (NM_001369805.2, NM_001369804.2, NM_001369803.2); c.-104-6481A>G (NM_001127501.4); c.-54-6481A>G (NM_001177520.3).
Identifiers: ClinVar variation 1468943 (VCV001468943.4), dbSNP rs2148135419, ClinGen allele CA2573130829.

ClinVar aggregate classification (germline): Uncertain significance. Review status: criteria provided, multiple submitters, no conflicts (2 of 4 stars). 2 submissions from 2 submitters: Uncertain significance (2). Last evaluated 2023-01-17.

gnomAD v4.1: 3 of 1,613,538 alleles (0.00019%); highest among the groups gnomAD compares: Non-Finnish European, 0.00025%; no homozygotes.

Submissions (2):

Blueprint Genetics
Classification: Uncertain significance. Last evaluated: 2023-01-17. Review status: criteria provided, single submitter. Criteria: ACMG Guidelines, 2015. Collection method: clinical testing. Allele origin: germline.

Labcorp Genetics (formerly Invitae), Labcorp
Classification: Uncertain significance. Last evaluated: 2022-08-16. Review status: criteria provided, single submitter. Criteria: Invitae Variant Classification Sherloc (09022015). Collection method: clinical testing. Allele origin: germline.
Comment: This sequence change falls in intron 2 of the ALPL gene. It does not directly change the encoded amino acid sequence of the ALPL protein. It affects a nucleotide within the consensus splice site. This variant is not present in population databases (gnomAD no frequency). This variant has not been reported in the literature in individuals affected with ALPL-related conditions. ClinVar contains an entry for this variant (Variation ID: 1468943). Variants that disrupt the consensus splice site are a relatively common cause of aberrant splicing (PMID: 17576681, 9536098). Algorithms developed to predict the effect of sequence changes on RNA splicing suggest that this variant may disrupt the consensus splice site. In summary, the available evidence is currently insufficient to determine the role of this variant in disease. Therefore, it has been classified as a Variant of Uncertain Significance.

Literature cited by the submitters: PubMed 17576681 (cited by Labcorp Genetics (formerly Invitae), Labcorp); PubMed 9536098 (cited by Labcorp Genetics (formerly Invitae), Labcorp).